The following is an entry in ClinVar:

NM_145046.5(CALR3):c.727T>C (p.Trp243Arg)

Gene: CALR3 (calreticulin 3; minus strand). Cytogenetic location: 19p13.11.
Variant type: single nucleotide variant.
Coding change: c.727T>C on transcript NM_145046.5 (MANE Select); coding-DNA position 727, T replaced by C.
Protein change: p.Trp243Arg; replaces tryptophan 243 with arginine.
Molecular consequence: missense variant.
Genome position (GRCh38, 1-based): chr19:16,482,737, A>G on the plus strand (T>C on the coding strand, the complement: CALR3 is on the minus strand). VCF-style: chr19-16482737-A-G. GRCh37 (hg19) VCF-style: chr19-16593548-A-G.
Other names: short protein forms W243R.
Identifiers: ClinVar variation 4702531 (VCV004702531.1).

ClinVar aggregate classification (germline): Uncertain significance (1 of 4 stars; one submission).

Conditions:
Hypertrophic cardiomyopathy 19. Also called: Familial hypertrophic cardiomyopathy 19. Identifiers: MedGen CN077603, MONDO:0013476.

gnomAD v4.1: 1 of 1,613,914 alleles (0.000062%); highest among the groups gnomAD compares: Non-Finnish European, 0.000085%; no homozygotes.

Submission:

Labcorp Genetics (formerly Invitae), Labcorp
Classification: Uncertain significance for Hypertrophic cardiomyopathy 19. Last evaluated: 2025-11-23. Review status: criteria provided, single submitter. Criteria: Invitae Variant Classification Sherloc (09022015). Collection method: clinical testing. Allele origin: germline.
Comment: This sequence change replaces tryptophan, which is neutral and slightly polar, with arginine, which is basic and polar, at codon 243 of the CALR3 protein (p.Trp243Arg). This variant is not present in population databases (gnomAD no frequency). This variant has not been reported in the literature in individuals affected with CALR3-related conditions. Invitae Evidence Modeling of protein sequence and biophysical properties (such as structural, functional, and spatial information, amino acid conservation, physicochemical variation, residue mobility, and thermodynamic stability) indicates that this missense variant is expected to disrupt CALR3 protein function with a positive predictive value of 80%. In summary, the available evidence is currently insufficient to determine the role of this variant in disease. Therefore, it has been classified as a Variant of Uncertain Significance.